The following is an entry in ClinVar:

ClinVar aggregate classification (germline): Likely benign (1 of 4 stars; one submission).

Allele frequency attached by ClinVar (database versions not stated): gnomAD exomes 0.00076 and 0.00207; ExAC 0.00256; 1000 Genomes Project 0.00799; gnomAD 0.00804 and 0.00859; 1000 Genomes Project 30x 0.00843; TOPMed 0.00916; ESP Exome Variant Server 0.00953.
gnomAD v4.1: 2,217 of 1,398,194 alleles (0.16%); highest among the groups gnomAD compares: African/African-American, 2.7%; 26 homozygotes.

Submission:

GeneDx
Classification: Likely benign. Last evaluated: 2018-06-14. Review status: criteria provided, single submitter. Criteria: GeneDx Variant Classification (06012015). Collection method: clinical testing. Allele origin: germline. Affected: yes.
Comment: This variant is considered likely benign or benign based on one or more of the following criteria: it is a conservative change, it occurs at a poorly conserved position in the protein, it is predicted to be benign by multiple in silico algorithms, and/or has population frequency not consistent with disease.

NM_000722.4(CACNA2D1):c.2142-29A>G

Gene: CACNA2D1 (calcium voltage-gated channel auxiliary subunit alpha2delta 1; minus strand). Cytogenetic location: 7q21.11.
Variant type: single nucleotide variant.
Coding change: c.2142-29A>G on transcript NM_000722.4 (MANE Select); 29 bases into the intron before coding-DNA position 2142, A replaced by G.
Molecular consequence: intron variant.
Genome position (GRCh38, 1-based): chr7:81,970,766, T>C on the plus strand (A>G on the coding strand, the complement: CACNA2D1 is on the minus strand). VCF-style: chr7-81970766-T-C. GRCh37 (hg19) VCF-style: chr7-81600082-T-C.
Other names: c.2178-29A>G (NM_001366867.1).
Identifiers: ClinVar variation 681148 (VCV000681148.1), dbSNP rs116592129, ClinGen allele CA4317725.